The following is an entry in ClinVar:

NM_001127222.2(CACNA1A):c.1782G>A (p.Lys594=)

Gene: CACNA1A (calcium voltage-gated channel subunit alpha1 A; minus strand). Cytogenetic location: 19p13.13.
Variant type: single nucleotide variant.
Coding change: c.1782G>A on transcript NM_001127222.2 (MANE Select); coding-DNA position 1782, G replaced by A.
Protein change: p.Lys594=; no amino-acid change (lysine 594 retained).
Molecular consequence: synonymous variant.
Genome position (GRCh38, 1-based): chr19:13,308,251, C>T on the plus strand (G>A on the coding strand, the complement: CACNA1A is on the minus strand). VCF-style: chr19-13308251-C-T. GRCh37 (hg19) VCF-style: chr19-13419065-C-T.
Other names: c.1785G>A, p.Lys595= (NM_000068.4, NM_001127221.2, NM_001174080.2 and 1 more transcripts).
Identifiers: ClinVar variation 377265 (VCV000377265.17), dbSNP rs756972061, ClinGen allele CA9240719.

ClinVar aggregate classification (germline): Conflicting classifications of pathogenicity. Review status: criteria provided, conflicting classifications (1 of 4 stars). 5 submissions from 5 submitters: Uncertain significance (3); Likely benign (2). Last evaluated 2025-11-24.

Conditions:
Developmental and epileptic encephalopathy, 42 (DEE42A). Also called: Epileptic encephalopathy, early infantile, 42; DEVELOPMENTAL AND EPILEPTIC ENCEPHALOPATHY 42A; EPILEPTIC ENCEPHALOPATHY, EARLY INFANTILE, 42A. Identifiers: MedGen C4310716, MONDO:0014917, OMIM 617106.
Episodic ataxia type 2 (EA2). Also called: CEREBELLAR ATAXIA, PAROXYSMAL, ACETAZOLAMIDE-RESPONSIVE; CEREBELLOPATHY, HEREDITARY PAROXYSMAL; EPISODIC ATAXIA, NYSTAGMUS-ASSOCIATED; ATAXIA, EPISODIC, WITH NYSTAGMUS; ATAXIA, FAMILIAL PAROXYSMAL; ACETAZOLAMIDE-RESPONSIVE HEREDITARY PAROXYSMAL CEREBELLAR ATAXIA. Identifiers: Orphanet 97, MedGen C1720416, MONDO:0007163, OMIM 108500.

Allele frequency attached by ClinVar (database versions not stated): gnomAD 0.00001; gnomAD exomes 0.00001 and 0.00002; TOPMed 0.00001; ExAC 0.00002.
gnomAD v4.1: 22 of 1,611,524 alleles (0.0014%); highest among the groups gnomAD compares: Non-Finnish European, 0.0018%; no homozygotes.

Submissions (5):

Labcorp Genetics (formerly Invitae), Labcorp
Classification: Uncertain significance for Developmental and epileptic encephalopathy, 42; Episodic ataxia type 2. Last evaluated: 2025-11-24. Review status: criteria provided, single submitter. Criteria: Invitae Variant Classification Sherloc (09022015). Collection method: clinical testing. Allele origin: germline.
Comment: This sequence change affects codon 595 of the CACNA1A mRNA. It is a 'silent' change, meaning that it does not change the encoded amino acid sequence of the CACNA1A protein. It affects a nucleotide within the consensus splice site. This variant is present in population databases (rs756972061, gnomAD 0.003%). This variant has not been reported in the literature in individuals affected with CACNA1A-related conditions. ClinVar contains an entry for this variant (Variation ID: 377265). Algorithms developed to predict the effect of sequence changes on RNA splicing suggest that this variant is not likely to affect RNA splicing. In summary, the available evidence is currently insufficient to determine the role of this variant in disease. Therefore, it has been classified as a Variant of Uncertain Significance.

Blueprint Genetics
Classification: Likely benign. Last evaluated: 2024-11-21. Review status: criteria provided, single submitter. Criteria: ACMG Guidelines, 2015. Collection method: clinical testing. Allele origin: germline.

Women's Health and Genetics/Laboratory Corporation of America, LabCorp
Classification: Uncertain significance. Last evaluated: 2024-07-26. Review status: criteria provided, single submitter. Criteria: LabCorp Variant Classification Summary - May 2015. Collection method: clinical testing. Allele origin: germline.
Comment: Variant summary: CACNA1A c.1785G>A (p.Lys595Lys) alters a conserved nucleotide located close to a canonical splice site and therefore could affect mRNA splicing, leading to a significantly altered protein sequence. Consensus agreement among computation tools predict no significant impact on normal splicing. However, these predictions have yet to be confirmed by functional studies. The variant allele was found at a frequency of 1.6e-05 in 247128 control chromosomes (gnomAD). The available data on variant occurrences in the general population are insufficient to allow any conclusion about variant significance. To our knowledge, no occurrence of c.1785G>A in individuals affected with Epileptic Encephalopathy, Early Infantile, 42 and no experimental evidence demonstrating its impact on protein function have been reported. ClinVar contains an entry for this variant (Variation ID: 377265). Based on the evidence outlined above, the variant was classified as uncertain significance.

GeneDx
Classification: Likely benign. Last evaluated: 2019-07-23. Review status: criteria provided, single submitter. Criteria: GeneDx Variant Classification Process June 2021. Collection method: clinical testing. Allele origin: germline. Affected: yes.

Center for Pediatric Genomic Medicine, Children's Mercy Hospital and Clinics
Classification: Uncertain significance. Last evaluated: 2016-12-05. Review status: criteria provided, single submitter. Criteria: ACMG Guidelines, 2015. Collection method: clinical testing. Allele origin: germline.
ClinVar note: Converted during submission from Uncertain Significance to Uncertain significance.